The following continues an entry in ClinVar:

NM_000350.3(ABCA4):c.4918C>T (p.Arg1640Trp)

ClinVar aggregate classification (germline): Pathogenic/Likely pathogenic; other. Pathogenic (13); Likely pathogenic (1).

Submissions 9 to 21 of 21:

Victorian Clinical Genetics Services, Murdoch Childrens Research Institute
Classification: Pathogenic for Severe early-childhood-onset retinal dystrophy. Last evaluated: 2022-02-02. Review status: criteria provided, single submitter. Criteria: ACMG Guidelines, 2015. Collection method: clinical testing. Allele origin: germline. Inheritance: Autosomal recessive inheritance. Affected: yes.
Comment: Based on the classification scheme VCGS_Germline_v1.3.4, this variant is classified as Pathogenic. The following criteria are met: 0102 - Loss of function is a known mechanism of disease in this gene and is associated with Stargardt disease 1 (MIM#248200), cone-rod dystrophy 3 (MIM#604116), fundus flavimaculatus (MIM#248200), early-onset severe retinal dystrophy (MIM#248200) and retinitis pigmentosa 19 (MIM#601718). (I) 0106 - This gene is associated with autosomal recessive disease. (I) 0115 - Variants in this gene are known to have variable expressivity (PMID: 31522899). (I) 0200 - Variant is predicted to result in a missense amino acid change from arginine to tryptophan. (I) 0251 - This variant is heterozygous. (I) 0304 - Variant is present in gnomAD <0.01 for a recessive condition (v2) (8 heterozygotes, 0 homozygotes). (SP) 0309 - An alternative amino acid change at the same position has been observed in gnomAD (v2) (8 heterozygotes, 0 homozygotes). (I) 0501 - Missense variant consistently predicted to be damaging by multiple in silico tools and highly conserved with a major amino acid change. (SP) 0600 - Variant is located in the annotated ABC2_membrane_3 domain (Protein DataBank). (I) 0801 - This variant has strong previous evidence of pathogenicity in unrelated individuals. This variant has been identified in multiple individuals diagnosed with Stargardt disease (ClinVar, PMIDs: 23769331, 25066811, 25922843, 29854428, 30060493, 30834176, 31766579). (SP) 1102 - Strong phenotype match for this individual. (SP) 1208 - Inheritance information for this variant is not currently available in this individual. (I) Legend: (SP) - Supporting pathogenic, (I) - Information, (SB) - Supporting benign

Institute of Human Genetics, Univ. Regensburg, Univ. Regensburg
Classification: Pathogenic for Retinal dystrophy. Last evaluated: 2022-01-01. Review status: criteria provided, single submitter. Criteria: ACMG Guidelines, 2015. Collection method: clinical testing. Allele origin: germline. Affected: yes.

Fulgent Genetics
Classification: Pathogenic for Age related macular degeneration 2; Severe early-childhood-onset retinal dystrophy; Retinitis pigmentosa 19; Cone-rod dystrophy 3. Last evaluated: 2021-08-12. Review status: criteria provided, single submitter. Criteria: ACMG Guidelines, 2015. Collection method: clinical testing. Allele origin: unknown.

Ocular Genomics Institute, Massachusetts Eye and Ear
Classification: Pathogenic for Severe early-childhood-onset retinal dystrophy. Last evaluated: 2021-04-08. Review status: criteria provided, single submitter. Criteria: ACMG Guidelines, 2015. Collection method: research. Allele origin: germline. Affected: yes.
Comment: Through a review of available evidence we were able to apply the following criteria: PM2, PP3, PS3, PM1, PM3-S. Based on this evidence we have classified this variant as Pathogenic.

Institute of Medical Genetics and Applied Genomics, University Hospital Tübingen
Classification: Likely pathogenic. Last evaluated: 2020-10-23. Review status: criteria provided, single submitter. Criteria: ACMG Guidelines, 2015. Collection method: clinical testing. Allele origin: germline. Inheritance: Autosomal recessive inheritance. Affected: yes.

GeneDx
Classification: Pathogenic. Last evaluated: 2018-10-04. Review status: criteria provided, single submitter. Criteria: GeneDx Variant Classification (06012015). Collection method: clinical testing. Allele origin: germline. Affected: yes.
Comment: The R1640W pathogenic variant in the ABCA4 gene has been reported previously in autosomal recessive Stargardt disease in affected individuals when in the homozgyous state or when in trans with another pathogenic variant (Battu et al., 2015; Fujinami et al., 2013; Rozet et al., 1998). The R1640W variant has been reported on the same allele (in cis) with the W1408R variant in families with Stargardt disease, and in a family presenting with both Stargardt disease and retinitis pigmentosa, when in trans with another pathogenic variant (Valverde et al, 2006; Shroyer et al, 2001). Shroyer et al. (2001) showed very little protein from cells transfected with the W1408R and R1640W variants in cis; however, proteins bearing only the W1408R or the R1640W variants appear to have mild or moderate defects in expression or stability. The R1640W variant was not observed in approximately 6,500 individuals of European and African American ancestry in the NHLBI Exome Sequencing Project, indicating it is not a common benign variant in these populations. The R1640W variant is a non-conservative amino acid substitution, which is likely to impact secondary protein structure as these residues differ in polarity, charge, size and/or other properties. This substitution occurs at a position that is conserved across species. We interpret R1640W as a pathogenic variant.

Eurofins Ntd Llc (ga)
Classification: other. Last evaluated: 2017-08-31. Review status: criteria provided, single submitter. Criteria: EGL Classification Definitions 2015. Collection method: clinical testing. Allele origin: germline. Observed: 1 variant allele, 1 heterozygote.

Sharon lab, Hadassah-Hebrew University Medical Center
Classification: Pathogenic for Stargardt disease. Last evaluated: 2019-06-23. Review status: no assertion criteria provided. Collection method: research. Allele origin: inherited. Affected: yes. Not counted in ClinVar's aggregate classification.

Department of Clinical Genetics, Copenhagen University Hospital, Rigshospitalet
Classification: Pathogenic for Stargardt disease. Last evaluated: 2018-04-01. Review status: no assertion criteria provided. Collection method: research. Allele origin: unknown. Affected: yes. Study: VeluxRD. Not counted in ClinVar's aggregate classification.

Centre for Genomic Medicine, Manchester, Central Manchester University Hospitals
Classification: Pathogenic for Retinal dystrophy. Last evaluated: 2015-01-30. Review status: no assertion criteria provided. Collection method: clinical testing. Allele origin: germline. Affected: yes. Not counted in ClinVar's aggregate classification.

NIHR Bioresource Rare Diseases, University of Cambridge
Classification: Likely pathogenic for Leber congenital amaurosis. Last evaluated: 2015-01-01. Review status: no assertion criteria provided. Collection method: research. Allele origin: unknown. Affected: yes. Observed: 1 variant allele. Not counted in ClinVar's aggregate classification.

Ophthalmo-Genetics Lab, Instituto de Oftalmologia Conde de Valenciana
Classification: Pathogenic for Severe early-childhood-onset retinal dystrophy. Review status: no assertion criteria provided. Collection method: research. Allele origin: germline. Inheritance: Autosomal recessive inheritance. Affected: yes. Not counted in ClinVar's aggregate classification.

Retina International
No classification provided. Review status: no classification provided. Collection method: not provided. Allele origin: not provided. Not counted in ClinVar's aggregate classification.

Literature cited by the submitters: PubMed 9781034 (cited by 6 submitters); PubMed 28041643 (cited by 4 submitters); PubMed 28559085 (cited by 3 submitters); PubMed 29925512 (cited by 3 submitters); PubMed 11687513 (cited by 4 submitters); PubMed 10711710 (cited by 3 submitters); PubMed 11527935 (cited by Labcorp Genetics (formerly Invitae), Labcorp and Ocular Genomics Institute, Massachusetts Eye and Ear); PubMed 23755871 (cited by Labcorp Genetics (formerly Invitae), Labcorp and Ocular Genomics Institute, Massachusetts Eye and Ear); PubMed 26103963 (cited by Labcorp Genetics (formerly Invitae), Labcorp and Ocular Genomics Institute, Massachusetts Eye and Ear); PubMed 28118664 (cited by 3 submitters); PubMed 17325136 (cited by 3billion); PubMed 36909829 (cited by Ophthalmic Genetics Group, Institute of Molecular and Clinical Ophthalmology Basel); PubMed 10090887 (cited by Molecular Genetics, Royal Melbourne Hospital); PubMed 21873672 (cited by Molecular Genetics, Royal Melbourne Hospital); PubMed 23769331 (cited by Victorian Clinical Genetics Services, Murdoch Childrens Research Institute and Ophthalmo-Genetics Lab, Instituto de Oftalmologia Conde de Valenciana); PubMed 25066811 (cited by Victorian Clinical Genetics Services, Murdoch Childrens Research Institute); PubMed 25922843 (cited by Victorian Clinical Genetics Services, Murdoch Childrens Research Institute); PubMed 29854428 (cited by Victorian Clinical Genetics Services, Murdoch Childrens Research Institute); PubMed 30060493 (cited by Victorian Clinical Genetics Services, Murdoch Childrens Research Institute); PubMed 30834176 (cited by Victorian Clinical Genetics Services, Murdoch Childrens Research Institute); PubMed 31522899 (cited by Victorian Clinical Genetics Services, Murdoch Childrens Research Institute); PubMed 31766579 (cited by Victorian Clinical Genetics Services, Murdoch Childrens Research Institute); PubMed 25082885 (cited by Institute of Human Genetics, Univ. Regensburg, Univ. Regensburg and Ocular Genomics Institute, Massachusetts Eye and Ear); PubMed 29555955 (cited by Institute of Human Genetics, Univ. Regensburg, Univ. Regensburg); PubMed 31589614 (cited by Institute of Human Genetics, Univ. Regensburg, Univ. Regensburg); PubMed 31573552 (cited by Institute of Human Genetics, Univ. Regensburg, Univ. Regensburg); PubMed 32619608 (cited by Institute of Human Genetics, Univ. Regensburg, Univ. Regensburg); PubMed 31964843 (cited by Institute of Human Genetics, Univ. Regensburg, Univ. Regensburg); PubMed 32307445 (cited by Institute of Human Genetics, Univ. Regensburg, Univ. Regensburg); PubMed 31456290 (cited by Institute of Human Genetics, Univ. Regensburg, Univ. Regensburg); PubMed 32531858 (cited by Institute of Human Genetics, Univ. Regensburg, Univ. Regensburg); PubMed 32141364 (cited by Institute of Human Genetics, Univ. Regensburg, Univ. Regensburg); PubMed 35119454 (cited by Institute of Human Genetics, Univ. Regensburg, Univ. Regensburg); PubMed 36460718 (cited by Institute of Human Genetics, Univ. Regensburg, Univ. Regensburg); PubMed 30718709 (cited by Ocular Genomics Institute, Massachusetts Eye and Ear and Department of Clinical Genetics, Copenhagen University Hospital, Rigshospitalet); PubMed 26872967 (cited by Ocular Genomics Institute, Massachusetts Eye and Ear and Centre for Genomic Medicine, Manchester, Central Manchester University Hospitals).